The following is an entry in ClinVar:

ClinVar aggregate classification (germline): Uncertain significance. Review status: criteria provided, multiple submitters, no conflicts (2 of 4 stars). 2 submissions from 2 submitters: Uncertain significance (2). Last evaluated 2025-02-03.

Conditions:
Inborn genetic diseases. Identifiers: MedGen C0950123, MeSH D030342.

Allele frequency attached by ClinVar (database versions not stated): ExAC 0.00001; gnomAD 0.00001; gnomAD exomes 0.00001 and 0.00002; TOPMed 0.00002.
gnomAD v4.1: 13 of 1,530,702 alleles (0.00085%); highest among the groups gnomAD compares: Admixed American, 0.013%; no homozygotes.

Submissions (2):

Ambry Genetics
Classification: Uncertain significance for Inborn genetic diseases. Last evaluated: 2025-02-03. Review status: criteria provided, single submitter. Criteria: Ambry Variant Classification Scheme 2023. Collection method: clinical testing. Allele origin: germline.

Labcorp Genetics (formerly Invitae), Labcorp
Classification: Uncertain significance. Last evaluated: 2022-10-24. Review status: criteria provided, single submitter. Criteria: Invitae Variant Classification Sherloc (09022015). Collection method: clinical testing. Allele origin: germline.
Comment: This sequence change replaces isoleucine, which is neutral and non-polar, with valine, which is neutral and non-polar, at codon 4480 of the PCLO protein (p.Ile4480Val). This variant is present in population databases (rs761321455, gnomAD 0.02%). This variant has not been reported in the literature in individuals affected with PCLO-related conditions. ClinVar contains an entry for this variant (Variation ID: 1373564). Algorithms developed to predict the effect of missense changes on protein structure and function output the following: SIFT: "Tolerated"; PolyPhen-2: "Not Available"; Align-GVGD: "Class C0". The valine amino acid residue is found in multiple mammalian species, which suggests that this missense change does not adversely affect protein function. In summary, the available evidence is currently insufficient to determine the role of this variant in disease. Therefore, it has been classified as a Variant of Uncertain Significance.

NM_033026.6(PCLO):c.13438A>G (p.Ile4480Val)

Gene: PCLO (piccolo presynaptic cytomatrix protein; minus strand). Cytogenetic location: 7q21.11.
Variant type: single nucleotide variant.
Coding change: c.13438A>G on transcript NM_033026.6 (MANE Select); coding-DNA position 13438, A replaced by G.
Protein change: p.Ile4480Val; replaces isoleucine 4480 with valine.
Molecular consequence: missense variant.
Genome position (GRCh38, 1-based): chr7:82,902,741, T>C on the plus strand (A>G on the coding strand, the complement: PCLO is on the minus strand). VCF-style: chr7-82902741-T-C. GRCh37 (hg19) VCF-style: chr7-82532057-T-C.
Other names: c.13438A>G, p.Ile4480Val (NM_014510.3); c.13438A>G (NM_033026.5); short protein forms I4480V.
Identifiers: ClinVar variation 1373564 (VCV001373564.6), dbSNP rs761321455, ClinGen allele CA4319156.